The following is an entry in ClinVar:

ClinVar aggregate classification (germline): Uncertain significance. Review status: criteria provided, multiple submitters, no conflicts (2 of 4 stars). 2 submissions from 2 submitters: Uncertain significance (2). Last evaluated 2025-11-10.

Conditions:
Hereditary cancer-predisposing syndrome. Also called: Neoplastic Syndromes, Hereditary; Tumor predisposition; Hereditary Cancer Syndrome; Hereditary neoplastic syndrome. Identifiers: Orphanet 140162, MedGen C0027672, MeSH D009386, MONDO:0015356.
Cardiovascular phenotype. Identifiers: MedGen CN230736.

Allele frequency attached by ClinVar (database versions not stated): ExAC 0.00001.
gnomAD v4.1: 2 of 1,613,390 alleles (0.00012%); no homozygotes.

Submissions (2):

Ambry Genetics
Classification: Uncertain significance for Cardiovascular phenotype; Hereditary cancer-predisposing syndrome. Last evaluated: 2025-11-10. Review status: criteria provided, single submitter. Criteria: Ambry Variant Classification Scheme 2023. Collection method: clinical testing. Allele origin: germline.
Comment: The p.E605K variant (also known as c.1813G>A), located in coding exon 16 of the LZTR1 gene, results from a G to A substitution at nucleotide position 1813. The glutamic acid at codon 605 is replaced by lysine, an amino acid with similar properties. This amino acid position is highly conserved in available vertebrate species. In addition, the in silico prediction for this alteration is inconclusive. Based on the available evidence, the clinical significance of this variant remains unclear.

Labcorp Genetics (formerly Invitae), Labcorp
Classification: Uncertain significance. Last evaluated: 2025-08-10. Review status: criteria provided, single submitter. Criteria: Invitae Variant Classification Sherloc (09022015). Collection method: clinical testing. Allele origin: germline.
Comment: This sequence change replaces glutamic acid, which is acidic and polar, with lysine, which is basic and polar, at codon 605 of the LZTR1 protein (p.Glu605Lys). This variant is present in population databases (rs140867378, gnomAD 0.006%). This variant has not been reported in the literature in individuals affected with LZTR1-related conditions. ClinVar contains an entry for this variant (Variation ID: 1780629). Invitae Evidence Modeling of protein sequence and biophysical properties (such as structural, functional, and spatial information, amino acid conservation, physicochemical variation, residue mobility, and thermodynamic stability) indicates that this missense variant is not expected to disrupt LZTR1 protein function with a negative predictive value of 80%. In summary, the available evidence is currently insufficient to determine the role of this variant in disease. Therefore, it has been classified as a Variant of Uncertain Significance.

NM_006767.4(LZTR1):c.1813G>A (p.Glu605Lys)

Gene: LZTR1 (leucine zipper like post translational regulator 1; plus strand). Cytogenetic location: 22q11.21.
Variant type: single nucleotide variant.
Coding change: c.1813G>A on transcript NM_006767.4 (MANE Select); coding-DNA position 1813, G replaced by A.
Protein change: p.Glu605Lys; replaces glutamic acid 605 with lysine.
Molecular consequence: missense variant.
Genome position (GRCh38, 1-based): chr22:20,994,897, G>A. VCF-style: chr22-20994897-G-A. GRCh37 (hg19) VCF-style: chr22-21349186-G-A.
Other names: short protein forms E605K.
Identifiers: ClinVar variation 1780629 (VCV001780629.4), dbSNP rs140867378, ClinGen allele CA10119076.